The following is an entry in ClinVar:

ClinVar aggregate classification (germline): Uncertain significance. Review status: criteria provided, multiple submitters, no conflicts (2 of 4 stars). 2 submissions from 2 submitters: Uncertain significance (2). Last evaluated 2025-05-08.

Submissions (2):

Greenwood Genetic Center Diagnostic Laboratories, Greenwood Genetic Center
Classification: Uncertain significance. Last evaluated: 2025-05-08. Review status: criteria provided, single submitter. Criteria: ACMG Guidelines, 2015. Collection method: clinical testing. Allele origin: germline. Affected: yes.
Comment: PM2, BP4

Labcorp Genetics (formerly Invitae), Labcorp
Classification: Uncertain significance. Last evaluated: 2024-05-17. Review status: criteria provided, single submitter. Criteria: Invitae Variant Classification Sherloc (09022015). Collection method: clinical testing. Allele origin: germline.
Comment: This sequence change replaces serine, which is neutral and polar, with glycine, which is neutral and non-polar, at codon 608 of the AHDC1 protein (p.Ser608Gly). This variant is not present in population databases (gnomAD no frequency). This variant has not been reported in the literature in individuals affected with AHDC1-related conditions. An algorithm developed to predict the effect of missense changes on protein structure and function (PolyPhen-2) suggests that this variant is likely to be tolerated. In summary, the available evidence is currently insufficient to determine the role of this variant in disease. Therefore, it has been classified as a Variant of Uncertain Significance.

NM_001371928.1(AHDC1):c.1822A>G (p.Ser608Gly)

Gene: AHDC1 (AT-hook DNA binding motif containing 1; minus strand). Cytogenetic location: 1p36.11.
Variant type: single nucleotide variant.
Coding change: c.1822A>G on transcript NM_001371928.1 (MANE Select); coding-DNA position 1822, A replaced by G.
Protein change: p.Ser608Gly; replaces serine 608 with glycine.
Molecular consequence: missense variant.
Genome position (GRCh38, 1-based): chr1:27,550,294, T>C on the plus strand (A>G on the coding strand, the complement: AHDC1 is on the minus strand). VCF-style: chr1-27550294-T-C. GRCh37 (hg19) VCF-style: chr1-27876805-T-C.
Other names: c.1822A>G, p.Ser608Gly (NM_001029882.3); short protein forms S608G.
Identifiers: ClinVar variation 3688924 (VCV003688924.3).
Genomic context (GRCh38, chr1:27,550,294, plus strand): 5'-ACTGGCTCTGGCGGTTCAGGAAGGCCAGCTTGGCCAGGACGTCTGAGTACTCGGCCTTGC[T>C]GTCGTTGGCGTCTGCTGCATAGGATGGCTGGGGAGATGCCAGCTTCTGCTTCCGCCGCCG-3'
Protein context (NP_001358857.1, residues 598-618): QPSYAADAND[Ser608Gly]KAEYSDVLAK